The following is an entry in ClinVar:

ClinVar aggregate classification (germline): Uncertain significance. Review status: criteria provided, multiple submitters, no conflicts (2 of 4 stars). 2 submissions from 2 submitters: Uncertain significance (2). Last evaluated 2023-07-25.

Conditions:
Hypokalemic periodic paralysis, type 1. Also called: Hypokalemic Periodic Paralysis Type 1 (AD); HypoPP. Identifiers: Orphanet 681, MedGen C3714580, MONDO:0042979, OMIM 170400.
Malignant hyperthermia, susceptibility to, 5 (MHS5). Also called: CACNA1S-Related Malignant Hyperthermia Susceptibility. Identifiers: Orphanet 423, MedGen C1866077, MONDO:0011163, OMIM 601887.
Inborn genetic diseases. Identifiers: MedGen C0950123, MeSH D030342.

Allele frequency attached by ClinVar (database versions not stated): TOPMed 0.00001.
gnomAD v4.1: 4 of 1,614,094 alleles (0.00025%); highest among the groups gnomAD compares: Non-Finnish European, 0.00034%; no homozygotes.

Submissions (2):

Ambry Genetics
Classification: Uncertain significance for Inborn genetic diseases. Last evaluated: 2023-07-25. Review status: criteria provided, single submitter. Criteria: Ambry Variant Classification Scheme 2023. Collection method: clinical testing. Allele origin: germline.

Labcorp Genetics (formerly Invitae), Labcorp
Classification: Uncertain significance for Hypokalemic periodic paralysis, type 1; Malignant hyperthermia, susceptibility to, 5. Last evaluated: 2023-05-26. Review status: criteria provided, single submitter. Criteria: Invitae Variant Classification Sherloc (09022015). Collection method: clinical testing. Allele origin: germline.
Comment: This variant is present in population databases (no rsID available, gnomAD 0.0009%). This sequence change replaces threonine, which is neutral and polar, with alanine, which is neutral and non-polar, at codon 1074 of the CACNA1S protein (p.Thr1074Ala). This variant has not been reported in the literature in individuals affected with CACNA1S-related conditions. In summary, the available evidence is currently insufficient to determine the role of this variant in disease. Therefore, it has been classified as a Variant of Uncertain Significance. Advanced modeling of protein sequence and biophysical properties (such as structural, functional, and spatial information, amino acid conservation, physicochemical variation, residue mobility, and thermodynamic stability) performed at Invitae indicates that this missense variant is not expected to disrupt CACNA1S protein function.

NM_000069.3(CACNA1S):c.3220A>G (p.Thr1074Ala)

Gene: CACNA1S (calcium voltage-gated channel subunit alpha1 S; minus strand). Cytogenetic location: 1q32.1.
Variant type: single nucleotide variant.
Coding change: c.3220A>G on transcript NM_000069.3 (MANE Select); coding-DNA position 3220, A replaced by G.
Protein change: p.Thr1074Ala; replaces threonine 1074 with alanine.
Molecular consequence: missense variant.
Genome position (GRCh38, 1-based): chr1:201,061,302, T>C on the plus strand (A>G on the coding strand, the complement: CACNA1S is on the minus strand). VCF-style: chr1-201061302-T-C. GRCh37 (hg19) VCF-style: chr1-201030430-T-C.
Other names: short protein forms T1074A.
Identifiers: ClinVar variation 2614346 (VCV002614346.3), dbSNP rs980056089, ClinGen allele CA36007245.